The following is an entry in ClinVar:

ClinVar aggregate classification (germline): Pathogenic. Review status: criteria provided, multiple submitters, no conflicts (2 of 4 stars). 3 submissions from 3 submitters: Pathogenic (3). Last evaluated 2023-06-21.

Conditions:
Autosomal dominant osteopetrosis 1 (OPTA1). Also called: OSTEOPETROSIS, AUTOSOMAL DOMINANT, TYPE I. Identifiers: Orphanet 2783, MedGen C1843330, MONDO:0011877, OMIM 607634.
Polycystic liver disease 4 with or without kidney cysts. Identifiers: MedGen C4693479, MONDO:0044327, OMIM 617875.
Bone mineral density quantitative trait locus 1 (BMND1). Identifiers: MedGen C1866079, OMIM 601884.
Exudative vitreoretinopathy 4 (EVR4). Identifiers: Orphanet 891, MedGen C1866176, MONDO:0011151, OMIM 601813.
Worth disease. Also called: Autosomal dominant osteosclerosis, Worth type; OSTEOSCLEROSIS, AUTOSOMAL DOMINANT; ENDOSTEAL HYPEROSTOSIS, AUTOSOMAL DOMINANT. Identifiers: Orphanet 2790, MedGen C0432273, MONDO:0007764, OMIM 144750.
Osteoporosis with pseudoglioma (OPPG). Also called: osteoporosis-pseudoglioma syndrome. Identifiers: Orphanet 2788, MedGen C0432252, MONDO:0009820, OMIM 259770.

Allele frequency attached by ClinVar (database versions not stated): gnomAD exomes below 0.00001; 1000 Genomes Project 30x 0.00016.
gnomAD v4.1: 1 of 1,603,220 alleles (0.000062%); highest among the groups gnomAD compares: Non-Finnish European, 0.000085%; no homozygotes.

Submissions (3):

Labcorp Genetics (formerly Invitae), Labcorp
Classification: Pathogenic. Last evaluated: 2023-06-21. Review status: criteria provided, single submitter. Criteria: Invitae Variant Classification Sherloc (09022015). Collection method: clinical testing. Allele origin: germline.
Comment: For these reasons, this variant has been classified as Pathogenic. Algorithms developed to predict the effect of sequence changes on RNA splicing suggest that this variant may disrupt the consensus splice site. ClinVar contains an entry for this variant (Variation ID: 593310). Disruption of this splice site has been observed in individual(s) with autosomal dominant exudative vitreoretinopathy and/or autosomal recessive osteoporosis-pseudoglioma syndrome (PMID: 25945592, 28111184, 33090715). It has also been observed to segregate with disease in related individuals. This variant is not present in population databases (gnomAD no frequency). This sequence change affects a donor splice site in intron 12 of the LRP5 gene. It is expected to disrupt RNA splicing. Variants that disrupt the donor or acceptor splice site typically lead to a loss of protein function (PMID: 16199547), and loss-of-function variants in LRP5 are known to be pathogenic (PMID: 11719191, 16252235, 25711638).

Eurofins Ntd Llc (ga)
Classification: Pathogenic. Last evaluated: 2017-08-04. Review status: criteria provided, single submitter. Criteria: EGL Classification Definitions 2015. Collection method: clinical testing. Allele origin: germline. Observed: 1 variant allele, 1 heterozygote.

Juno Genomics, Hangzhou Juno Genomics, Inc
Classification: Pathogenic for Bone mineral density quantitative trait locus 1; Worth disease; Exudative vitreoretinopathy 4; Autosomal dominant osteopetrosis 1; Osteoporosis with pseudoglioma; Polycystic liver disease 4 with or without kidney cysts. Review status: criteria provided, single submitter. Criteria: ACMG Guidelines, 2015. Collection method: clinical testing. Allele origin: germline.
Comment: Absent from controls (or at extremely low frequency if recessive) in Genome Aggregation Database.;Null variant in a gene where loss of function (LOF) is a known mechanism of disease.;For recessive disorders, detected in trans with a pathogenic variant.;Patient's phenotype or family history is highly specific for a disease with a single genetic etiology.;Co-segregation with disease in multiple affected family members.

Literature cited by the submitters: PubMed 25945592 (cited by Labcorp Genetics (formerly Invitae), Labcorp); PubMed 28111184 (cited by Labcorp Genetics (formerly Invitae), Labcorp); PubMed 33090715 (cited by Labcorp Genetics (formerly Invitae), Labcorp); PubMed 16199547 (cited by Labcorp Genetics (formerly Invitae), Labcorp); PubMed 11719191 (cited by Labcorp Genetics (formerly Invitae), Labcorp); PubMed 16252235 (cited by Labcorp Genetics (formerly Invitae), Labcorp); PubMed 25711638 (cited by Labcorp Genetics (formerly Invitae), Labcorp).

NM_002335.4(LRP5):c.2827+1G>A

Gene: LRP5 (LDL receptor related protein 5; plus strand). Cytogenetic location: 11q13.2.
Variant type: single nucleotide variant.
Coding change: c.2827+1G>A on transcript NM_002335.4 (MANE Select); the canonical splice donor site of the intron after coding-DNA position 2827, G replaced by A.
Molecular consequence: splice donor variant.
Genome position (GRCh38, 1-based): chr11:68,414,013, G>A. VCF-style: chr11-68414013-G-A. GRCh37 (hg19) VCF-style: chr11-68181481-G-A.
Other names: c.1084+1G>A (NM_001291902.2).
Identifiers: ClinVar variation 593310 (VCV000593310.12), dbSNP rs1565092365, ClinGen allele CA381619049.
Genomic context (GRCh38, chr11:68,414,013, plus strand): 5'-GCCACCGCTGCGGCTGCGCCTCACACTACACCCTGGACCCCAGCAGCCGCAACTGCAGCC[G>A]TAAGTGCCTCATGGTCCCCCGCACCTCACTCCCTCGTTAGATCAGGCTGGTTCTGGGAGC-3'